The following is an entry in ClinVar:

NM_199420.4(POLQ):c.581C>A (p.Ala194Asp)

Gene: POLQ (DNA polymerase theta; minus strand). Cytogenetic location: 3q13.33.
Variant type: single nucleotide variant.
Coding change: c.581C>A on transcript NM_199420.4 (MANE Select); coding-DNA position 581, C replaced by A.
Protein change: p.Ala194Asp; replaces alanine 194 with aspartic acid.
Molecular consequence: missense variant.
Genome position (GRCh38, 1-based): chr3:121,539,483, G>T on the plus strand (C>A on the coding strand, the complement: POLQ is on the minus strand). VCF-style: chr3-121539483-G-T. GRCh37 (hg19) VCF-style: chr3-121258330-G-T.
Other names: short protein forms A194D.
Identifiers: ClinVar variation 3230074 (VCV003230074.1), dbSNP rs369746980, ClinGen allele CA354091081.
Genomic context (GRCh38, chr3:121,539,483, plus strand): 5'-ACTTTCTTACCTAACAGATCCATCTTATTTTCCTCTATGAGGCGATTGATCAGACCATTG[G>T]CTCTCTCAATTGTGCAGACTGCAATATCCAATGAAGAGAAATGCCTTGATGGAGAGGTGC-3'
Protein context (NP_955452.3, residues 184-204): LDIAVCTIER[Ala194Asp]NGLINRLIEE

ClinVar aggregate classification (germline): Uncertain significance (1 of 4 stars; one submission).

Submission:

Ambry Genetics
Classification: Uncertain significance. Last evaluated: 2023-12-29. Review status: criteria provided, single submitter. Criteria: Ambry Variant Classification Scheme 2023. Collection method: clinical testing. Allele origin: germline.
Comment: The p.A194D variant (also known as c.581C>A), located in coding exon 4 of the POLQ gene, results from a C to A substitution at nucleotide position 581. The alanine at codon 194 is replaced by aspartic acid, an amino acid with dissimilar properties. This amino acid position is conserved. In addition, this alteration is predicted to be deleterious by in silico analysis. Since supporting evidence is limited at this time, the clinical significance of this alteration remains unclear.